The following is an entry in ClinVar:

ClinVar aggregate classification (germline): Pathogenic (1 of 4 stars; one submission).

Conditions:
Trichorhinophalangeal syndrome. Identifiers: Orphanet 324764, MedGen C0265255, MONDO:0017951.

Submission:

Illumina Laboratory Services, Illumina
Classification: Pathogenic for Trichorhinophalangeal syndrome. Last evaluated: 2021-10-01. Review status: criteria provided, single submitter. Criteria: ICSLVariantClassificationCriteria RUGD 01 April 2020. Collection method: clinical testing. Allele origin: unknown.
Comment: The TRPS1 c.1382C>G (p.Ser461Ter) is a stop-gain variant that is predicted to result in premature truncation of the protein. A literature search was performed for the gene, cDNA change, and amino acid change. No publications were found based on this search. This variant is not found in version 2.1.1 or version 3.1.1 of the Genome Aggregation Database despite its location in a region of good sequencing coverage, which suggests the variant is rare. This variant was identified in a de novo state. Based on the available evidence, the p.Ser461Ter variant is classified as pathogenic for trichorhinophalangeal syndrome.

NM_014112.5(TRPS1):c.1382C>G (p.Ser461Ter)

Gene: TRPS1 (transcriptional repressor GATA binding 1; minus strand). Cytogenetic location: 8q23.3.
Variant type: single nucleotide variant.
Coding change: c.1382C>G on transcript NM_014112.5 (MANE Select); coding-DNA position 1382, C replaced by G.
Protein change: p.Ser461Ter; replaces serine 461 with a stop codon.
Molecular consequence: nonsense.
Genome position (GRCh38, 1-based): chr8:115,604,587, G>C on the plus strand (C>G on the coding strand, the complement: TRPS1 is on the minus strand). VCF-style: chr8-115604587-G-C. GRCh37 (hg19) VCF-style: chr8-116616814-G-C.
Other names: c.1355C>G, p.Ser452Ter (NM_001282902.3); c.1361C>G, p.Ser454Ter (NM_001282903.3); c.1343C>G, p.Ser448Ter (NM_001330599.2); short protein forms S448*, S452*, S454*, S461*.
Identifiers: ClinVar variation 1328181 (VCV001328181.4), dbSNP rs2130493114, ClinGen allele CA372067522.